The following is an entry in ClinVar:

NM_002335.4(LRP5):c.2408T>C (p.Val803Ala)

Gene: LRP5 (LDL receptor related protein 5; plus strand). Cytogenetic location: 11q13.2.
Variant type: single nucleotide variant.
Coding change: c.2408T>C on transcript NM_002335.4 (MANE Select); coding-DNA position 2408, T replaced by C.
Protein change: p.Val803Ala; replaces valine 803 with alanine.
Molecular consequence: missense variant.
Genome position (GRCh38, 1-based): chr11:68,411,525, T>C. VCF-style: chr11-68411525-T-C. GRCh37 (hg19) VCF-style: chr11-68178993-T-C.
Other names: c.665T>C, p.Val222Ala (NM_001291902.2); short protein forms V222A, V803A.
Identifiers: ClinVar variation 863708 (VCV000863708.7), dbSNP rs987928171, ClinGen allele CA224273608.

ClinVar aggregate classification (germline): Uncertain significance (1 of 4 stars; one submission).

Allele frequency attached by ClinVar (database versions not stated): gnomAD exomes below 0.00001 and 0.00001; TOPMed 0.00001.
gnomAD v4.1: 13 of 1,613,634 alleles (0.00081%); highest among the groups gnomAD compares: Non-Finnish European, 0.0011%; no homozygotes.

Submission:

Labcorp Genetics (formerly Invitae), Labcorp
Classification: Uncertain significance. Last evaluated: 2022-07-19. Review status: criteria provided, single submitter. Criteria: Invitae Variant Classification Sherloc (09022015). Collection method: clinical testing. Allele origin: germline.
Comment: In summary, the available evidence is currently insufficient to determine the role of this variant in disease. Therefore, it has been classified as a Variant of Uncertain Significance. Advanced modeling of protein sequence and biophysical properties (such as structural, functional, and spatial information, amino acid conservation, physicochemical variation, residue mobility, and thermodynamic stability) performed at Invitae indicates that this missense variant is expected to disrupt LRP5 protein function. ClinVar contains an entry for this variant (Variation ID: 863708). This variant has not been reported in the literature in individuals affected with LRP5-related conditions. This variant is present in population databases (no rsID available, gnomAD 0.0009%). This sequence change replaces valine, which is neutral and non-polar, with alanine, which is neutral and non-polar, at codon 803 of the LRP5 protein (p.Val803Ala).